The following is an entry in ClinVar:

NM_000051.4(ATM):c.1608-1G>A

Gene: ATM (ATM serine/threonine kinase; plus strand). Cytogenetic location: 11q22.3.
Variant type: single nucleotide variant.
Coding change: c.1608-1G>A on transcript NM_000051.4 (MANE Select); the canonical splice acceptor site of the intron before coding-DNA position 1608, G replaced by A.
Molecular consequence: splice acceptor variant.
Genome position (GRCh38, 1-based): chr11:108,251,836, G>A. VCF-style: chr11-108251836-G-A. GRCh37 (hg19) VCF-style: chr11-108122563-G-A.
Other names: c.1608-1G>A (NM_001351834.2).
Identifiers: ClinVar variation 569261 (VCV000569261.27), dbSNP rs1565385010, ClinGen allele CA382534465.

ClinVar aggregate classification (germline): Likely pathogenic. Review status: criteria provided, multiple submitters, no conflicts (2 of 4 stars). 3 submissions from 3 submitters: Likely pathogenic (2). 1 of the submissions does not count toward it. Last evaluated 2019-04-24.

Conditions:
Ataxia-telangiectasia syndrome (AT). Also called: Ataxia-telangiectasia, complementation group E; LOUIS-BAR SYNDROME; Cerebello-oculocutaneous telangiectasia; Immunodeficiency with ataxia telangiectasia; Ataxia-telangiectasia, complementation group D; AT, COMPLEMENTATION GROUP C. Identifiers: Orphanet 100, MedGen C0004135, MONDO:0008840, OMIM 208900.
Gastric cancer. Also called: Stomach cancer; Malignant tumor of stomach. Identifiers: MedGen C0024623, MeSH D013274, MONDO:0001056, OMIM 613659, HP:0012126.
Hereditary cancer-predisposing syndrome. Also called: Hereditary neoplastic syndrome; Neoplastic Syndromes, Hereditary; Hereditary Cancer Syndrome; Tumor predisposition. Identifiers: Orphanet 140162, MedGen C0027672, MeSH D009386, MONDO:0015356.

Submissions (3):

Ambry Genetics
Classification: Likely pathogenic for Hereditary cancer-predisposing syndrome. Last evaluated: 2019-04-24. Review status: criteria provided, single submitter. Criteria: Ambry Variant Classification Scheme 2023. Collection method: clinical testing. Allele origin: germline.
Comment: The c.1608-1G>A intronic variant results from a G to A substitution one nucleotide upstream from coding exon 10 of the ATM gene. This nucleotide position is highly conserved in available vertebrate species. Using the BDGP and ESEfinder splice site prediction tools, this alteration is predicted to abolish the native splice acceptor site; however, direct evidence is unavailable. Alterations that disrupt the canonical splice site are expected to cause aberrant splicing, resulting in an abnormal protein or a transcript that is subject to nonsense-mediated mRNA decay. As such, this alteration is classified as likely pathogenic.

Labcorp Genetics (formerly Invitae), Labcorp
Classification: Likely pathogenic for Ataxia-telangiectasia syndrome. Last evaluated: 2018-04-05. Review status: criteria provided, single submitter. Criteria: Invitae Variant Classification Sherloc (09022015). Collection method: clinical testing. Allele origin: germline.
Comment: In summary, the currently available evidence indicates that the variant is pathogenic, but additional data are needed to prove that conclusively. Therefore, this variant has been classified as Likely Pathogenic. Donor and acceptor splice site variants typically lead to a loss of protein function (PMID: 16199547), and loss-of-function variants in ATM are known to be pathogenic (PMID: 23807571, 25614872). Algorithms developed to predict the effect of sequence changes on RNA splicing suggest that this variant may disrupt the consensus splice site, but this prediction has not been confirmed by published transcriptional studies. This variant has not been reported in the literature in individuals with ATM-related disease. This variant is not present in population databases (ExAC no frequency). This sequence change affects an acceptor splice site in intron 10 of the ATM gene. It is expected to disrupt RNA splicing and likely results in an absent or disrupted protein product.

Laboratory for Genotyping Development, RIKEN
Classification: Pathogenic for Gastric cancer. Last evaluated: 2021-07-01. Review status: no assertion criteria provided. Collection method: research. Allele origin: germline. Not counted in ClinVar's aggregate classification.

Literature cited by the submitters: PubMed 16199547 (cited by Labcorp Genetics (formerly Invitae), Labcorp); PubMed 23807571 (cited by Labcorp Genetics (formerly Invitae), Labcorp); PubMed 25614872 (cited by Labcorp Genetics (formerly Invitae), Labcorp); PubMed 36988593 (cited by Laboratory for Genotyping Development, RIKEN).